The following is an entry in ClinVar:

NM_032043.3(BRIP1):c.2571dup (p.Ser858fs)

Gene: BRIP1 (BRCA1 interacting DNA helicase 1; minus strand). Cytogenetic location: 17q23.2.
Variant type: Duplication.
Coding change: c.2571dup on transcript NM_032043.3 (MANE Select); coding-DNA position 2571, one base duplicated (A; older notation c.2571dupA).
Protein change: p.Ser858fs; shifts the reading frame from serine 858.
Molecular consequence: frameshift variant.
Genome position (GRCh38, 1-based): chr17:61,693,434, T duplicated on the plus strand (A on the coding strand, the reverse complement: BRIP1 is on the minus strand). VCF-style (leftmost placement, unchanged base first): chr17-61693433-A-AT. GRCh37 (hg19) VCF-style: chr17-59770794-A-AT.
Other names: short protein forms S858fs.
Identifiers: ClinVar variation 3773693 (VCV003773693.2).

ClinVar aggregate classification (germline): Pathogenic (1 of 4 stars; one submission).

Conditions:
Familial cancer of breast. Also called: Hereditary breast cancer; BREAST CANCER, FAMILIAL; hereditary breast carcinoma. Identifiers: Orphanet 227535, MedGen C0346153, MONDO:0016419, OMIM 114480. Disease mechanism: loss of function.

Submission:

Institute of Human Genetics, University of Leipzig Medical Center
Classification: Pathogenic for Familial cancer of breast. Last evaluated: 2025-03-04. Review status: criteria provided, single submitter. Criteria: ACMG Guidelines, 2015. Collection method: clinical testing. Allele origin: unknown. Affected: yes.
Comment: Criteria applied: PVS1,PM2_MOD